The following is an entry in ClinVar:

NM_032578.4(MYPN):c.1565G>A (p.Gly522Asp)

Gene: MYPN (myopalladin; plus strand). Cytogenetic location: 10q21.3.
Variant type: single nucleotide variant.
Coding change: c.1565G>A on transcript NM_032578.4 (MANE Select); coding-DNA position 1565, G replaced by A.
Protein change: p.Gly522Asp; replaces glycine 522 with aspartic acid.
Molecular consequence: missense variant. On other transcripts: non-coding transcript variant (2).
Genome position (GRCh38, 1-based): chr10:68,165,783, G>A. VCF-style: chr10-68165783-G-A. GRCh37 (hg19) VCF-style: chr10-69925540-G-A.
Other names: c.1565G>A, p.Gly522Asp (NM_001256267.2); c.683G>A, p.Gly228Asp (NM_001256268.2); short protein forms G228D, G522D.
Identifiers: ClinVar variation 4614671 (VCV004614671.1).

ClinVar aggregate classification (germline): Uncertain significance (1 of 4 stars; one submission).

Conditions:
Cardiovascular phenotype. Identifiers: MedGen CN230736.

gnomAD v4.1: 1 of 1,614,106 alleles (0.000062%); highest among the groups gnomAD compares: East Asian, 0.0022%; no homozygotes.

Submission:

Ambry Genetics
Classification: Uncertain significance for Cardiovascular phenotype. Last evaluated: 2025-10-23. Review status: criteria provided, single submitter. Criteria: Ambry Variant Classification Scheme 2023. Collection method: clinical testing. Allele origin: germline.
Comment: The p.G522D variant (also known as c.1565G>A), located in coding exon 8 of the MYPN gene, results from a G to A substitution at nucleotide position 1565. The glycine at codon 522 is replaced by aspartic acid, an amino acid with similar properties. This amino acid position is conserved. In addition, this alteration is predicted to be deleterious by in silico analysis. Based on the available evidence, the clinical significance of this variant remains unclear.